The following is an entry in ClinVar:

NM_000384.3(APOB):c.573C>T (p.Thr191=)

Gene: APOB (apolipoprotein B; minus strand). Cytogenetic location: 2p24.1.
Variant type: single nucleotide variant.
Coding change: c.573C>T on transcript NM_000384.3 (MANE Select); coding-DNA position 573, C replaced by T.
Protein change: p.Thr191=; no amino-acid change (threonine 191 retained).
Molecular consequence: synonymous variant.
Genome position (GRCh38, 1-based): chr2:21,037,220, G>A on the plus strand (C>T on the coding strand, the complement: APOB is on the minus strand). VCF-style: chr2-21037220-G-A. GRCh37 (hg19) VCF-style: chr2-21260092-G-A.
Identifiers: ClinVar variation 709729 (VCV000709729.50), dbSNP rs202005055, ClinGen allele CA062434.

ClinVar aggregate classification (germline): Benign/Likely benign. Review status: criteria provided, multiple submitters, no conflicts (2 of 4 stars). 4 submissions from 4 submitters: Benign (1); Likely benign (3). Last evaluated 2025-10-07.

Conditions:
Cardiovascular phenotype. Identifiers: MedGen CN230736.
Hypercholesterolemia, autosomal dominant, type B (FHCL2). Also called: Familial hypercholesterolemia 2; Familial Hypercholesterolemia Type B; Hyperlipoproteinemia Type IIb; APOLIPOPROTEIN B-100, FAMILIAL DEFECTIVE; APOLIPOPROTEIN B-100, FAMILIAL LIGAND-DEFECTIVE; APOB-Related Familial Hypercholesterolemia, Autosomal Dominant. Identifiers: MedGen C1704417, MONDO:0007751, OMIM 144010.
Familial hypobetalipoproteinemia 1. Also called: APOB-Related Familial Hypobetalipoproteinemia; Hypobetalipoproteinemia, normotriglyceridemic; Acanthocytosis with hypobetalipoproteinemia. Identifiers: MedGen C4551990, MONDO:0014252, OMIM 615558.

Allele frequency attached by ClinVar (database versions not stated): gnomAD exomes 0.00003 and 0.00007; gnomAD 0.00004; TOPMed 0.00004; ExAC 0.00007; 1000 Genomes Project 30x 0.00016; 1000 Genomes Project 0.00020.
gnomAD v4.1: 52 of 1,614,128 alleles (0.0032%); highest among the groups gnomAD compares: Middle Eastern, 0.017%; no homozygotes.

Submissions (4):

Labcorp Genetics (formerly Invitae), Labcorp
Classification: Benign for Familial hypobetalipoproteinemia 1; Hypercholesterolemia, autosomal dominant, type B. Last evaluated: 2025-10-07. Review status: criteria provided, single submitter. Criteria: Invitae Variant Classification Sherloc (09022015). Collection method: clinical testing. Allele origin: germline.

Quest Diagnostics Nichols Institute San Juan Capistrano
Classification: Likely benign. Last evaluated: 2025-06-05. Review status: criteria provided, single submitter. Criteria: Quest Diagnostics criteria. Collection method: clinical testing. Allele origin: unknown.

CeGaT Center for Human Genetics Tuebingen
Classification: Likely benign. Last evaluated: 2024-08-01. Review status: criteria provided, single submitter. Criteria: CeGaT Center For Human Genetics Tuebingen Variant Classification Criteria Version 2. Collection method: clinical testing. Allele origin: germline. Affected: yes. Observed: 3 variant alleles.
Comment: APOB: BP4, BP7

Ambry Genetics
Classification: Likely benign for Cardiovascular phenotype. Last evaluated: 2020-01-23. Review status: criteria provided, single submitter. Criteria: Ambry Variant Classification Scheme 2023. Collection method: clinical testing. Allele origin: germline.